The following is an entry in ClinVar:

NM_002637.4(PHKA1):c.982T>C (p.Trp328Arg)

Gene: PHKA1 (phosphorylase kinase regulatory subunit alpha 1; minus strand). Cytogenetic location: Xq13.1.
Variant type: single nucleotide variant.
Coding change: c.982T>C on transcript NM_002637.4 (MANE Select); coding-DNA position 982, T replaced by C.
Protein change: p.Trp328Arg; replaces tryptophan 328 with arginine.
Molecular consequence: missense variant.
Genome position (GRCh38, 1-based): chrX:72,656,179, A>G on the plus strand (T>C on the coding strand, the complement: PHKA1 is on the minus strand). VCF-style: chrX-72656179-A-G. GRCh37 (hg19) VCF-style: chrX-71876029-A-G.
Other names: c.982T>C, p.Trp328Arg (NM_001122670.2, NM_001172436.2); short protein forms W328R.
Identifiers: ClinVar variation 2746824 (VCV002746824.3), dbSNP rs2522624922, ClinGen allele CA413593625.

ClinVar aggregate classification (germline): Uncertain significance (1 of 4 stars; one submission).

Conditions:
Glycogen storage disease IXd (GSD9D). Also called: GSD IXd; Muscle Phosphorylase Kinase Deficiency. Identifiers: Orphanet 715, MedGen C1845151, MONDO:0010362, OMIM 300559.

Submission:

Labcorp Genetics (formerly Invitae), Labcorp
Classification: Uncertain significance for Glycogen storage disease IXd. Last evaluated: 2023-09-10. Review status: criteria provided, single submitter. Criteria: Invitae Variant Classification Sherloc (09022015). Collection method: clinical testing. Allele origin: germline.
Comment: This sequence change replaces tryptophan, which is neutral and slightly polar, with arginine, which is basic and polar, at codon 328 of the PHKA1 protein (p.Trp328Arg). In summary, the available evidence is currently insufficient to determine the role of this variant in disease. Therefore, it has been classified as a Variant of Uncertain Significance. This variant is not present in population databases (gnomAD no frequency). This variant has not been reported in the literature in individuals affected with PHKA1-related conditions. Advanced modeling of protein sequence and biophysical properties (such as structural, functional, and spatial information, amino acid conservation, physicochemical variation, residue mobility, and thermodynamic stability) performed at Invitae indicates that this missense variant is expected to disrupt PHKA1 protein function.